The following is an entry in ClinVar:

ClinVar aggregate classification (germline): Uncertain significance (1 of 4 stars; one submission).

Conditions:
Cardiovascular phenotype. Identifiers: MedGen CN230736.

Submission:

Ambry Genetics
Classification: Uncertain significance for Cardiovascular phenotype. Last evaluated: 2021-12-21. Review status: criteria provided, single submitter. Criteria: Ambry Variant Classification Scheme 2023. Collection method: clinical testing. Allele origin: germline.
Comment: The p.A215G variant (also known as c.644C>G), located in coding exon 1 of the ALPK3 gene, results from a C to G substitution at nucleotide position 644. The alanine at codon 215 is replaced by glycine, an amino acid with similar properties. This amino acid position is conserved. In addition, this alteration is predicted to be tolerated by in silico analysis. Since supporting evidence is limited at this time, the clinical significance of this alteration remains unclear.

NM_020778.5(ALPK3):c.38C>G (p.Ala13Gly)

Gene: ALPK3 (alpha kinase 3; plus strand). Cytogenetic location: 15q25.3.
Variant type: single nucleotide variant.
Coding change: c.38C>G on transcript NM_020778.5 (MANE Select); coding-DNA position 38, C replaced by G.
Protein change: p.Ala13Gly; replaces alanine 13 with glycine.
Molecular consequence: missense variant.
Genome position (GRCh38, 1-based): chr15:84,817,490, C>G. VCF-style: chr15-84817490-C-G. GRCh37 (hg19) VCF-style: chr15-85360721-C-G.
Other names: short protein forms A13G.
Identifiers: ClinVar variation 1753591 (VCV001753591.2), dbSNP rs1301457332, ClinGen allele CA393369337.
Genomic context (GRCh38, chr15:84,817,490, plus strand): 5'-CGGCGGTCGGGGAGGGCGGTGCCATGGGGTCGCGGAGGGCCCCCAGCCGGGGCTGGGGCG[C>G]GGGTGGGCGGTCGGGGGCGGGGGGCGACGGTGAGGACGACGGCCCCGTGTGGATCCCCAG-3'
Protein context (NP_065829.4, residues 3-23): SRRAPSRGWG[Ala13Gly]GGRSGAGGDG